The following is an entry in ClinVar:

ClinVar aggregate classification (germline): Uncertain significance (1 of 4 stars; one submission).

Conditions:
Hereditary cancer-predisposing syndrome. Also called: Neoplastic Syndromes, Hereditary; Tumor predisposition; Hereditary Cancer Syndrome; Hereditary neoplastic syndrome. Identifiers: Orphanet 140162, MedGen C0027672, MeSH D009386, MONDO:0015356.

Submission:

Ambry Genetics
Classification: Uncertain significance for Hereditary cancer-predisposing syndrome. Last evaluated: 2026-02-13. Review status: criteria provided, single submitter. Criteria: Ambry Variant Classification Scheme 2023. Collection method: clinical testing. Allele origin: germline.
Comment: The c.896+3A>G intronic variant results from an A to G substitution 3 nucleotides after coding exon 8 in the FANCC gene. This nucleotide position is highly conserved in available vertebrate species. In silico splice site analysis predicts that this alteration may weaken the native splice donor site. Based on the available evidence, the clinical significance of this variant remains unclear.

NM_000136.3(FANCC):c.896+3A>G

Genes: AOPEP (aminopeptidase O (putative); plus strand), FANCC (FA complementation group C; minus strand). Cytogenetic location: 9q22.32.
Variant type: single nucleotide variant.
Coding change: c.896+3A>G on transcript NM_000136.3 (MANE Select); 3 bases into the intron after coding-DNA position 896, A replaced by G.
Molecular consequence: intron variant.
Genome position (GRCh38, 1-based): chr9:95,126,526, T>C on the plus strand (A>G on the coding strand, the complement: FANCC is on the minus strand). VCF-style: chr9-95126526-T-C. GRCh37 (hg19) VCF-style: chr9-97888808-T-C.
Other names: c.896+3A>G (NM_001243743.2, NM_001243744.2).
Identifiers: ClinVar variation 4828925 (VCV004828925.1).